The following is an entry in ClinVar:

ClinVar aggregate classification (germline): Uncertain significance (1 of 4 stars; one submission).

Conditions:
Ehlers-Danlos syndrome, type 4 (EDSVASC). Also called: Ehlers-Danlos Syndrome Type IV; Ehlers-Danlos syndrome vascular type; Ehlers Danlos syndrome, ecchymotic type; Ehlers Danlos syndrome, arterial type; Ehlers Danlos syndrome, Sack-Barabas type. Identifiers: Orphanet 286, MedGen C0268338, MONDO:0017314, OMIM 130050.

Submission:

All of Us Research Program, National Institutes of Health
Classification: Uncertain significance for Ehlers-Danlos syndrome, type 4. Last evaluated: 2023-03-04. Review status: criteria provided, single submitter. Criteria: ACMG Guidelines, 2015. Collection method: clinical testing. Allele origin: germline. Inheritance: Autosomal dominant inheritance. Observed: 1 variant allele, 1 heterozygote.
Comment: This study involves interpretation of variants in research participants for the purpose of population health screening. Participant phenotype was not available at the time of variant classification. Additional details can be found in publication PMID: 35346344, PMCID: PMC8962531

NM_000090.4(COL3A1):c.30G>C (p.Trp10Cys)

Gene: COL3A1 (collagen type III alpha 1 chain; plus strand). Cytogenetic location: 2q32.2.
Variant type: single nucleotide variant.
Coding change: c.30G>C on transcript NM_000090.4 (MANE Select); coding-DNA position 30, G replaced by C.
Protein change: p.Trp10Cys; replaces tryptophan 10 with cysteine.
Molecular consequence: missense variant.
Genome position (GRCh38, 1-based): chr2:188,974,519, G>C. VCF-style: chr2-188974519-G-C. GRCh37 (hg19) VCF-style: chr2-189839245-G-C.
Other names: short protein forms W10C.
Identifiers: ClinVar variation 3069448 (VCV003069448.1), dbSNP rs587779677, ClinGen allele CA349845403.
Genomic context (GRCh38, chr2:188,974,519, plus strand): 5'-GCACAAAGAGTCTCATGTCTGATATTTAGACATGATGAGCTTTGTGCAAAAGGGGAGCTG[G>C]CTACTTCTCGCTCTGCTTCATCCCACTATTATTTTGGCACAACAGGAAGGTGAGTAGGTA-3'
Protein context (NP_000081.2, residues 1-20): MMSFVQKGS[Trp10Cys]LLLALLHPTI